The following is an entry in ClinVar:

NM_021975.4(RELA):c.262_272del (p.His88fs)

Gene: RELA (RELA proto-oncogene, NF-kB subunit; minus strand). Cytogenetic location: 11q13.1.
Variant type: Deletion.
Coding change: c.262_272del on transcript NM_021975.4 (MANE Select); coding-DNA positions 262 to 272, 11 bases deleted (CACGAGCTTGT).
Protein change: p.His88fs; shifts the reading frame from histidine 88.
Molecular consequence: frameshift variant. On other transcripts: 5 prime UTR variant (1).
Genome position (GRCh38, 1-based): chr11:65,661,750-65,661,760, ACAAGCTCGTG deleted on the plus strand (CACGAGCTTGT on the coding strand, the reverse complement: RELA is on the minus strand). VCF-style (leftmost placement, unchanged base first): chr11-65661749-TACAAGCTCGTG-T. GRCh37 (hg19) VCF-style: chr11-65429220-TACAAGCTCGTG-T.
Other names: c.262_272del, p.His88fs (NM_001145138.2, NM_001243984.2, NM_001243985.2 and 2 more transcripts); c.295_305del, p.His99fs (NM_001404657.1); c.235_245del, p.His79fs (NM_001404658.1); c.-28_-18del (NM_001404661.1); c.169_179del, p.His57fs (NM_001404662.1, NM_001404663.1); short protein forms H57fs, H79fs, H88fs, H99fs.
Identifiers: ClinVar variation 3032987 (VCV003032987.2), dbSNP rs2496867941, ClinGen allele CA2740093066.

ClinVar aggregate classification (germline): Likely pathogenic (0 of 4 stars; one submission).

Conditions:
RELA-related disorder. Also called: RELA-related condition.

Submission:

PreventionGenetics, part of Exact Sciences
Classification: Likely pathogenic for RELA-related condition. Last evaluated: 2023-12-15. Review status: no assertion criteria provided. Collection method: clinical testing. Allele origin: germline.
Comment: The RELA c.262_272del11 variant is predicted to result in a frameshift and premature protein termination (p.His88Argfs*10). To our knowledge, this variant has not been reported in the literature or in a large population database, indicating this variant is rare. Frameshift variants in RELA are expected to be pathogenic (see, for example, An et al. 2023. PubMed ID:36926348). This variant is interpreted as likely pathogenic.